The following is an entry in ClinVar:

NM_003482.4(KMT2D):c.872G>C (p.Cys291Ser)

Gene: KMT2D (lysine methyltransferase 2D; minus strand). Cytogenetic location: 12q13.12.
Variant type: single nucleotide variant.
Coding change: c.872G>C on transcript NM_003482.4 (MANE Select); coding-DNA position 872, G replaced by C.
Protein change: p.Cys291Ser; replaces cysteine 291 with serine.
Molecular consequence: missense variant.
Genome position (GRCh38, 1-based): chr12:49,053,289, C>G on the plus strand (G>C on the coding strand, the complement: KMT2D is on the minus strand). VCF-style: chr12-49053289-C-G. GRCh37 (hg19) VCF-style: chr12-49447072-C-G.
Other names: short protein forms C291S.
Identifiers: ClinVar variation 3635174 (VCV003635174.2).
Genomic context (GRCh38, chr12:49,053,289, plus strand): 5'-GGCAGTTCCTCCATGGGTGGTTTTAGGCAGAAAGTATGGTATCCTTTGTCACACGTCTCA[C>G]AAACCAACATCTTAGAGTCATTCCCAGGTTTCCTGCAGGTGCACATGGAACATTACAGTG-3'
Protein context (NP_003473.3, residues 281-301): KPGNDSKMLV[Cys291Ser]ETCDKGYHTF

ClinVar aggregate classification (germline): Uncertain significance (1 of 4 stars; one submission).

Conditions:
Kabuki syndrome. Also called: NIIKAWA-KUROKI SYNDROME; Kabuki make-up syndrome. Identifiers: Orphanet 2322, MedGen C0796004, MONDO:0016512.

Submission:

Labcorp Genetics (formerly Invitae), Labcorp
Classification: Uncertain significance for Kabuki syndrome. Last evaluated: 2024-08-29. Review status: criteria provided, single submitter. Criteria: Invitae Variant Classification Sherloc (09022015). Collection method: clinical testing. Allele origin: germline.
Comment: This sequence change replaces cysteine, which is neutral and slightly polar, with serine, which is neutral and polar, at codon 291 of the KMT2D protein (p.Cys291Ser). This variant is not present in population databases (gnomAD no frequency). This variant has not been reported in the literature in individuals affected with KMT2D-related conditions. Invitae Evidence Modeling of protein sequence and biophysical properties (such as structural, functional, and spatial information, amino acid conservation, physicochemical variation, residue mobility, and thermodynamic stability) indicates that this missense variant is expected to disrupt KMT2D protein function with a positive predictive value of 95%. In summary, the available evidence is currently insufficient to determine the role of this variant in disease. Therefore, it has been classified as a Variant of Uncertain Significance.